The following is an entry in ClinVar:

ClinVar aggregate classification (germline): Uncertain significance. Review status: criteria provided, multiple submitters, no conflicts (2 of 4 stars). 4 submissions from 4 submitters: Uncertain significance (4). Last evaluated 2024-12-19.

Conditions:
Charcot-Marie-Tooth disease type 4. Also called: Charcot-Marie-Tooth, Type 4; Charcot-Marie-Tooth disease, type IV. Identifiers: Orphanet 64749, MedGen C4082197, MONDO:0018995.
Inborn genetic diseases. Identifiers: MedGen C0950123, MeSH D030342.

Allele frequency attached by ClinVar (database versions not stated): gnomAD exomes 0.00002 and 0.00001; TOPMed 0.00002; ExAC 0.00001; gnomAD 0.00003.
gnomAD v4.1: 37 of 1,611,924 alleles (0.0023%); highest among the groups gnomAD compares: African/African-American, 0.004%; no homozygotes.

Submissions (4):

Labcorp Genetics (formerly Invitae), Labcorp
Classification: Uncertain significance for Charcot-Marie-Tooth disease type 4. Last evaluated: 2024-12-19. Review status: criteria provided, single submitter. Criteria: Invitae Variant Classification Sherloc (09022015). Collection method: clinical testing. Allele origin: germline.
Comment: This sequence change replaces glutamic acid, which is acidic and polar, with lysine, which is basic and polar, at codon 128 of the FIG4 protein (p.Glu128Lys). This variant is present in population databases (rs769125243, gnomAD 0.007%). This variant has not been reported in the literature in individuals affected with FIG4-related conditions. ClinVar contains an entry for this variant (Variation ID: 1690684). An algorithm developed to predict the effect of missense changes on protein structure and function (PolyPhen-2) suggests that this variant is likely to be disruptive. In summary, the available evidence is currently insufficient to determine the role of this variant in disease. Therefore, it has been classified as a Variant of Uncertain Significance.

GeneDx
Classification: Uncertain significance. Last evaluated: 2024-08-27. Review status: criteria provided, single submitter. Criteria: GeneDx Variant Classification Process June 2021. Collection method: clinical testing. Allele origin: germline. Affected: yes.
Comment: Not observed at significant frequency in large population cohorts (gnomAD); In silico analysis supports that this missense variant has a deleterious effect on protein structure/function; Has not been previously published as pathogenic or benign to our knowledge

Ambry Genetics
Classification: Uncertain significance for Inborn genetic diseases. Last evaluated: 2021-11-24. Review status: criteria provided, single submitter. Criteria: Ambry Variant Classification Scheme 2023. Collection method: clinical testing. Allele origin: germline.
Comment: The p.E128K variant (also known as c.382G>A), located in coding exon 4 of the FIG4 gene, results from a G to A substitution at nucleotide position 382. The glutamic acid at codon 128 is replaced by lysine, an amino acid with similar properties. This amino acid position is conserved. In addition, the in silico prediction for this alteration is inconclusive. Since supporting evidence is limited at this time, the clinical significance of this alteration remains unclear.

Laboratorio de Genetica e Diagnostico Molecular, Hospital Israelita Albert Einstein
Classification: Uncertain significance. Last evaluated: 2019-09-19. Review status: criteria provided, single submitter. Criteria: ACMG Guidelines, 2015. Collection method: clinical testing. Allele origin: germline. Affected: yes.
Comment: ACMG classification criteria: PM2, PP3

NM_014845.6(FIG4):c.382G>A (p.Glu128Lys)

Gene: FIG4 (FIG4 phosphoinositide 5-phosphatase; plus strand). Cytogenetic location: 6q21.
Variant type: single nucleotide variant.
Coding change: c.382G>A on transcript NM_014845.6 (MANE Select); coding-DNA position 382, G replaced by A.
Protein change: p.Glu128Lys; replaces glutamic acid 128 with lysine.
Molecular consequence: missense variant.
Genome position (GRCh38, 1-based): chr6:109,727,201, G>A. VCF-style: chr6-109727201-G-A. GRCh37 (hg19) VCF-style: chr6-110048404-G-A.
Other names: c.382G>A (NM_014845.5); short protein forms E128K.
Identifiers: ClinVar variation 1690684 (VCV001690684.9), dbSNP rs769125243, ClinGen allele CA3955756.